The following is an entry in ClinVar:

ClinVar aggregate classification (germline): Likely benign (1 of 4 stars; one submission).

gnomAD v4.1: 313 of 391,142 alleles (0.08%); highest among the groups gnomAD compares: Non-Finnish European, 0.061%; no homozygotes.

Submission:

CeGaT Center for Human Genetics Tuebingen
Classification: Likely benign. Last evaluated: 2025-07-01. Review status: criteria provided, single submitter. Criteria: CeGaT Center For Human Genetics Tuebingen Variant Classification Criteria Version 2. Collection method: clinical testing. Allele origin: germline. Affected: yes. Observed: 1 variant allele.
Comment: KCNQ1OT1: BS1

NM_000218.3(KCNQ1):c.1394-29822C>T

Genes: KCNQ1 (potassium voltage-gated channel subfamily Q member 1; plus strand), KCNQ1OT1 (KCNQ1 opposite strand/antisense transcript 1; minus strand). Cytogenetic location: 11p15.5.
Variant type: single nucleotide variant.
Coding change: c.1394-29822C>T on transcript NM_000218.3 (MANE Select); 29822 bases into the intron before coding-DNA position 1394, C replaced by T.
Molecular consequence: intron variant. On other transcripts: non-coding transcript variant (1).
Genome position (GRCh38, 1-based): chr11:2,632,139, C>T. VCF-style: chr11-2632139-C-T. GRCh37 (hg19) VCF-style: chr11-2653369-C-T.
Other names: c.1124-29822C>T (NM_001406837.1); c.1298-29822C>T (NM_001406836.1); c.854-29822C>T (NM_001406838.1); c.1013-29822C>T (NM_181798.2).
Identifiers: ClinVar variation 4084846 (VCV004084846.8).